The following is an entry in ClinVar:

NM_000179.3(MSH6):c.2653A>G (p.Lys885Glu)

Gene: MSH6 (mutS homolog 6; plus strand). Cytogenetic location: 2p16.3.
Variant type: single nucleotide variant.
Coding change: c.2653A>G on transcript NM_000179.3 (MANE Select); coding-DNA position 2653, A replaced by G.
Protein change: p.Lys885Glu; replaces lysine 885 with glutamic acid.
Molecular consequence: missense variant.
Genome position (GRCh38, 1-based): chr2:47,800,636, A>G. VCF-style: chr2-47800636-A-G. GRCh37 (hg19) VCF-style: chr2-48027775-A-G.
Other names: c.2263A>G, p.Lys755Glu (NM_001281492.2); c.1747A>G, p.Lys583Glu (NM_001281493.2, NM_001281494.2); short protein forms K885E, K755E, K583E.
Identifiers: ClinVar variation 455213 (VCV000455213.50), dbSNP rs587782593, ClinGen allele CA346755166.

ClinVar aggregate classification (germline): Conflicting classifications of pathogenicity. Review status: criteria provided, conflicting classifications (1 of 4 stars). 9 submissions from 9 submitters: Uncertain significance (7); Benign (1); Likely benign (1). Last evaluated 2025-03-04.

Conditions:
Mismatch repair cancer syndrome 3. Identifiers: MedGen C5436807, MONDO:0030841, OMIM 619097.
Hereditary cancer-predisposing syndrome. Also called: Hereditary neoplastic syndrome; Neoplastic Syndromes, Hereditary; Hereditary Cancer Syndrome; Tumor predisposition. Identifiers: Orphanet 140162, MedGen C0027672, MeSH D009386, MONDO:0015356.
Lynch syndrome. Identifiers: Orphanet 144, MedGen C4552100, MONDO:0005835. Disease mechanism: loss of function.
Endometrial carcinoma. Also called: Endometrial carcinoma, somatic. Identifiers: MedGen C0476089, MONDO:0002447, OMIM 608089, HP:0012114.
Hereditary nonpolyposis colorectal neoplasms. Identifiers: MedGen C0009405, MeSH D003123.

Allele frequency attached by ClinVar (database versions not stated): gnomAD exomes below 0.00001; gnomAD 0.00001.
gnomAD v4.1: 8 of 1,614,096 alleles (0.0005%); highest among the groups gnomAD compares: African/African-American, 0.0013%; no homozygotes.

Submissions (9):

Color Diagnostics, LLC DBA Color Health
Classification: Uncertain significance for Hereditary cancer-predisposing syndrome. Last evaluated: 2025-03-04. Review status: criteria provided, single submitter. Criteria: ACMG Guidelines, 2015. Collection method: clinical testing. Allele origin: germline.
Comment: This missense variant replaces lysine with glutamic acid at codon 885 of the MSH6 protein. Computational prediction suggests that this variant may not impact protein structure and function. To our knowledge, functional studies have not been reported for this variant. This variant has not been reported in individuals affected with MSH6-related disorders in the literature. This variant has not been identified in the general population by the Genome Aggregation Database (gnomAD). The available evidence is insufficient to determine the role of this variant in disease conclusively. Therefore, this variant is classified as a Variant of Uncertain Significance.

Labcorp Genetics (formerly Invitae), Labcorp
Classification: Benign for Hereditary nonpolyposis colorectal neoplasms. Last evaluated: 2024-12-17. Review status: criteria provided, single submitter. Criteria: Invitae Variant Classification Sherloc (09022015). Collection method: clinical testing. Allele origin: germline.

Ambry Genetics
Classification: Uncertain significance for Hereditary cancer-predisposing syndrome. Last evaluated: 2024-04-22. Review status: criteria provided, single submitter. Criteria: Ambry Variant Classification Scheme 2023. Collection method: clinical testing. Allele origin: germline.
Comment: The p.K885E variant (also known as c.2653A>G), located in coding exon 4 of the MSH6 gene, results from an A to G substitution at nucleotide position 2653. The lysine at codon 885 is replaced by glutamic acid, an amino acid with similar properties. In one study, this variant was reported in 1/60,466 breast cancer cases and in 0/53,461 controls (Dorling et al. N Engl J Med. 2021 02;384:428-439). This amino acid position is not well conserved in available vertebrate species. In addition, the in silico prediction for this alteration is inconclusive. Since supporting evidence is limited at this time, the clinical significance of this alteration remains unclear.

CeGaT Center for Human Genetics Tuebingen
Classification: Likely benign. Last evaluated: 2024-04-01. Review status: criteria provided, single submitter. Criteria: CeGaT Center For Human Genetics Tuebingen Variant Classification Criteria Version 2. Collection method: clinical testing. Allele origin: germline. Affected: yes. Observed: 1 variant allele.
Comment: MSH6: BP4

Baylor Genetics
Classification: Uncertain significance for Endometrial carcinoma. Last evaluated: 2023-05-12. Review status: criteria provided, single submitter. Criteria: ACMG Guidelines, 2015. Collection method: clinical testing. Allele origin: unknown.

All of Us Research Program, National Institutes of Health
Classification: Uncertain significance for Lynch syndrome. Last evaluated: 2023-03-04. Review status: criteria provided, single submitter. Criteria: ACMG Guidelines, 2015. Collection method: clinical testing. Allele origin: germline. Inheritance: Autosomal dominant inheritance. Observed: 1 variant allele, 1 heterozygote.
Comment: This missense variant replaces lysine with glutamic acid at codon 885 of the MSH6 protein. Computational prediction suggests that this variant may not impact protein structure and function (internally defined REVEL score threshold <= 0.5, PMID: 27666373). Splice site prediction tools suggest that this variant may not impact RNA splicing. To our knowledge, functional studies have not been performed for this variant. This variant has not been reported in individuals affected with hereditary cancer in the literature. This variant has not been identified in the general population by the Genome Aggregation Database (gnomAD). The available evidence is insufficient to determine the role of this variant in disease conclusively. Therefore, this variant is classified as a Variant of Uncertain Significance.

This study involves interpretation of variants in research participants for the purpose of population health screening. Participant phenotype was not available at the time of variant classification. Additional details can be found in publication PMID: 35346344, PMCID: PMC8962531

Mendelics
Classification: Uncertain significance. Last evaluated: 2022-05-04. Review status: criteria provided, single submitter. Criteria: Mendelics Assertion Criteria 2019. Collection method: clinical testing. Allele origin: germline.

Department of Pathology and Laboratory Medicine, Sinai Health System
Classification: Uncertain significance for Mismatch repair cancer syndrome 3. Last evaluated: 2021-05-03. Review status: criteria provided, single submitter. Criteria: ACMG Guidelines, 2015. Collection method: clinical testing. Allele origin: germline. Affected: yes.

ARUP Laboratories, Molecular Genetics and Genomics, ARUP Laboratories
Classification: Uncertain significance. Last evaluated: 2018-09-20. Review status: criteria provided, single submitter. Criteria: ARUP Molecular Germline Variant Investigation Process. Collection method: clinical testing. Allele origin: germline.
Comment: The MSH6 c.2653A>G; p.Lys885Glu variant, to our knowledge, is not reported in the medical literature but is reported as uncertain significance in ClinVar (Variation ID: 455213). This variant is absent from general population databases (1000 Genomes Project, Exome Variant Server, and Genome Aggregation Database), indicating it is not a common polymorphism. The lysine at codon 885 is moderately conserved, and computational analyses (SIFT, PolyPhen-2) predict that this variant is tolerated. Due to limited information, the clinical significance of the p.Lys885Glu variant is uncertain at this time.

Literature cited by the submitters: PubMed 33471991 (cited by Ambry Genetics).